The following is an entry in ClinVar:

NM_000038.6(APC):c.1837C>T (p.Leu613Phe)

Gene: APC (APC regulator of Wnt signaling pathway; plus strand). Cytogenetic location: 5q22.2.
Variant type: single nucleotide variant.
Coding change: c.1837C>T on transcript NM_000038.6 (MANE Select); coding-DNA position 1837, C replaced by T.
Protein change: p.Leu613Phe; replaces leucine 613 with phenylalanine.
Molecular consequence: missense variant.
Genome position (GRCh38, 1-based): chr5:112,835,044, C>T. VCF-style: chr5-112835044-C-T. GRCh37 (hg19) VCF-style: chr5-112170741-C-T.
Other names: c.1837C>T, p.Leu613Phe (NM_001127510.3, NM_001354895.2); c.1783C>T, p.Leu595Phe (NM_001127511.3); c.1891C>T, p.Leu631Phe (NM_001354896.2); c.1867C>T, p.Leu623Phe (NM_001354897.2); c.1762C>T, p.Leu588Phe (NM_001354898.2); c.1753C>T, p.Leu585Phe (NM_001354899.2); c.1714C>T, p.Leu572Phe (NM_001354900.2); c.1660C>T, p.Leu554Phe (NM_001354901.2); and 5 more; short protein forms L330F, L512F, L623F, L572F, L585F, L588F, L631F, L554F.
Identifiers: ClinVar variation 647210 (VCV000647210.14), dbSNP rs1471156259, ClinGen allele CA16025341.
Genomic context (GRCh38, chr5:112,835,044, plus strand): 5'-TGGAATTTGTCAGCACATTGCACTGAGAATAAAGCTGATATATGTGCTGTAGATGGTGCA[C>T]TTGCATTTTTGGTTGGCACTCTTACTTACCGGAGCCAGACAAACACTTTAGCCATTATTG-3'
Protein context (NP_000029.2, residues 603-623): KADICAVDGA[Leu613Phe]AFLVGTLTYR

ClinVar aggregate classification (germline): Uncertain significance. Review status: criteria provided, multiple submitters, no conflicts (2 of 4 stars). 2 submissions from 2 submitters: Uncertain significance (2). Last evaluated 2020-06-13.

Conditions:
Familial adenomatous polyposis 1 (FAP1). Also called: FAMILIAL ADENOMATOUS POLYPOSIS 1, ATTENUATED; POLYPOSIS, ADENOMATOUS INTESTINAL. Identifiers: MedGen C2713442, MONDO:0021056, OMIM 175100. Disease mechanism: loss of function.
Hereditary cancer-predisposing syndrome. Also called: Hereditary Cancer Syndrome; Tumor predisposition; Hereditary neoplastic syndrome; Neoplastic Syndromes, Hereditary. Identifiers: Orphanet 140162, MedGen C0027672, MeSH D009386, MONDO:0015356.

gnomAD v4.1: 1 of 1,614,080 alleles (0.000062%); highest among the groups gnomAD compares: Non-Finnish European, 0.000085%; no homozygotes.

Submissions (2):

Labcorp Genetics (formerly Invitae), Labcorp
Classification: Uncertain significance for Familial adenomatous polyposis 1. Last evaluated: 2020-06-13. Review status: criteria provided, single submitter. Criteria: Invitae Variant Classification Sherloc (09022015). Collection method: clinical testing. Allele origin: germline.
Comment: In summary, the available evidence is currently insufficient to determine the role of this variant in disease. Therefore, it has been classified as a Variant of Uncertain Significance. Algorithms developed to predict the effect of missense changes on protein structure and function are either unavailable or do not agree on the potential impact of this missense change (SIFT: "Tolerated"; PolyPhen-2: "Possibly Damaging"; Align-GVGD: "Class C0"). This variant has not been reported in the literature in individuals with APC-related conditions. ClinVar contains an entry for this variant (Variation ID: 647210). This variant is not present in population databases (ExAC no frequency). This sequence change replaces leucine with phenylalanine at codon 613 of the APC protein (p.Leu613Phe). The leucine residue is highly conserved and there is a small physicochemical difference between leucine and phenylalanine.

Ambry Genetics
Classification: Uncertain significance for Hereditary cancer-predisposing syndrome. Last evaluated: 2018-03-23. Review status: criteria provided, single submitter. Criteria: Ambry Variant Classification Scheme 2023. Collection method: clinical testing. Allele origin: germline.
Comment: The p.L613F variant (also known as c.1837C>T), located in coding exon 14 of the APC gene, results from a C to T substitution at nucleotide position 1837. The leucine at codon 613 is replaced by phenylalanine, an amino acid with highly similar properties. This amino acid position is highly conserved in available vertebrate species. In addition, in silico predictors for this gene do not accurately predict pathogenicity. Since supporting evidence is limited at this time, the clinical significance of this alteration remains unclear.